The following is an entry in ClinVar:

ClinVar aggregate classification (germline): Uncertain significance (1 of 4 stars; one submission).

Submission:

Labcorp Genetics (formerly Invitae), Labcorp
Classification: Uncertain significance. Last evaluated: 2024-09-28. Review status: criteria provided, single submitter. Criteria: Invitae Variant Classification Sherloc (09022015). Collection method: clinical testing. Allele origin: germline.
Comment: This sequence change replaces alanine, which is neutral and non-polar, with threonine, which is neutral and polar, at codon 68 of the ROM1 protein (p.Ala68Thr). This variant is not present in population databases (gnomAD no frequency). This variant has not been reported in the literature in individuals affected with ROM1-related conditions. Invitae Evidence Modeling of protein sequence and biophysical properties (such as structural, functional, and spatial information, amino acid conservation, physicochemical variation, residue mobility, and thermodynamic stability) indicates that this missense variant is not expected to disrupt ROM1 protein function with a negative predictive value of 80%. In summary, the available evidence is currently insufficient to determine the role of this variant in disease. Therefore, it has been classified as a Variant of Uncertain Significance.

NM_000327.4(ROM1):c.202G>A (p.Ala68Thr)

Gene: ROM1 (retinal outer segment membrane protein 1; plus strand). Cytogenetic location: 11q12.3.
Variant type: single nucleotide variant.
Coding change: c.202G>A on transcript NM_000327.4 (MANE Select); coding-DNA position 202, G replaced by A.
Protein change: p.Ala68Thr; replaces alanine 68 with threonine.
Molecular consequence: missense variant.
Genome position (GRCh38, 1-based): chr11:62,613,483, G>A. VCF-style: chr11-62613483-G-A. GRCh37 (hg19) VCF-style: chr11-62380955-G-A.
Other names: short protein forms A68T.
Identifiers: ClinVar variation 3720872 (VCV003720872.2).
Genomic context (GRCh38, chr11:62,613,483, plus strand): 5'-CACCTTGGCACCTTCCTGGCTCCCTCCTGTCAGTTCCCTGTCCTGCCCCAGGCTGCCCTG[G>A]CAGCGGGCGCGGTGGCTCTGGGCACAGGACTAGTGGGTGTAGGAGCCAGCCGGGCAAGTC-3'
Protein context (NP_000318.2, residues 58-78): QFPVLPQAAL[Ala68Thr]AGAVALGTGL